The following is an entry in ClinVar:

NM_170707.4(LMNA):c.1863G>A (p.Thr621=)

Gene: LMNA (lamin A/C; plus strand). Cytogenetic location: 1q22.
Variant type: single nucleotide variant.
Coding change: c.1863G>A on transcript NM_170707.4 (MANE Select); coding-DNA position 1863, G replaced by A.
Protein change: p.Thr621=; no amino-acid change (threonine 621 retained).
Molecular consequence: synonymous variant. On other transcripts: intron variant (1).
Genome position (GRCh38, 1-based): chr1:156,138,652, G>A. VCF-style: chr1-156138652-G-A. GRCh37 (hg19) VCF-style: chr1-156108443-G-A.
Other names: c.1527G>A, p.Thr509= (NM_001257374.3); c.1773G>A, p.Thr591= (NM_170708.4); c.1818+45G>A (NM_001282626.2).
Identifiers: ClinVar variation 390972 (VCV000390972.14), dbSNP rs749999967, ClinGen allele CA051442.

ClinVar aggregate classification (germline): Likely benign. Review status: criteria provided, multiple submitters, no conflicts (2 of 4 stars). 5 submissions from 5 submitters: Likely benign (5). Last evaluated 2025-07-27.

Conditions:
Charcot-Marie-Tooth disease type 2. Also called: Charcot-Marie-Tooth type 2. Identifiers: Orphanet 64746, MedGen C0270914, MONDO:0018993.
Cardiomyopathy (CMYO). Also called: Cardiomyopathies. Identifiers: Orphanet 167848, MedGen C0878544, MONDO:0004994, HP:0001638. Inheritance: Various modes of inheritance.
Primary dilated cardiomyopathy (DCM). Also called: Dilated Cardiomyopathy. Identifiers: Orphanet 217604, MedGen C0007193, MeSH D002311, MONDO:0005021, HP:0001644. Inheritance: Various modes of inheritance.
Cardiovascular phenotype. Identifiers: MedGen CN230736.

Allele frequency attached by ClinVar (database versions not stated): gnomAD exomes 0.00001; TOPMed 0.00001; gnomAD 0.00001; ExAC 0.00002.
gnomAD v4.1: 13 of 1,613,502 alleles (0.00081%); highest among the groups gnomAD compares: East Asian, 0.0045%; no homozygotes.

Submissions (5):

Labcorp Genetics (formerly Invitae), Labcorp
Classification: Likely benign for Charcot-Marie-Tooth disease type 2. Last evaluated: 2025-07-27. Review status: criteria provided, single submitter. Criteria: Invitae Variant Classification Sherloc (09022015). Collection method: clinical testing. Allele origin: germline.

Ambry Genetics
Classification: Likely benign for Cardiovascular phenotype. Last evaluated: 2024-10-28. Review status: criteria provided, single submitter. Criteria: Ambry Variant Classification Scheme 2023. Collection method: clinical testing. Allele origin: germline.

All of Us Research Program, National Institutes of Health
Classification: Likely benign for Primary dilated cardiomyopathy. Last evaluated: 2024-09-17. Review status: criteria provided, single submitter. Criteria: ACMG Guidelines, 2015. Collection method: clinical testing. Allele origin: germline. Inheritance: Autosomal dominant inheritance. Observed: 4 variant alleles, 4 heterozygotes.
Comment: This study involves interpretation of variants in research participants for the purpose of population health screening. Participant phenotype was not available at the time of variant classification. Additional details can be found in publication PMID: 35346344, PMCID: PMC8962531

Color Diagnostics, LLC DBA Color Health
Classification: Likely benign for Cardiomyopathy. Last evaluated: 2019-10-07. Review status: criteria provided, single submitter. Criteria: ACMG Guidelines, 2015. Collection method: clinical testing. Allele origin: germline.

GeneDx
Classification: Likely benign. Last evaluated: 2016-11-23. Review status: criteria provided, single submitter. Criteria: GeneDx Variant Classification (06012015). Collection method: clinical testing. Allele origin: germline. Affected: yes.
Comment: This variant is considered likely benign or benign based on one or more of the following criteria: it is a conservative change, it occurs at a poorly conserved position in the protein, it is predicted to be benign by multiple in silico algorithms, and/or has population frequency not consistent with disease.